The following is an entry in ClinVar:

NM_000548.5(TSC2):c.2646T>G (p.Asn882Lys)

Gene: TSC2 (TSC complex subunit 2; plus strand). Cytogenetic location: 16p13.3.
Variant type: single nucleotide variant.
Coding change: c.2646T>G on transcript NM_000548.5 (MANE Select); coding-DNA position 2646, T replaced by G.
Protein change: p.Asn882Lys; replaces asparagine 882 with lysine.
Molecular consequence: missense variant.
Genome position (GRCh38, 1-based): chr16:2,076,074, T>G. VCF-style: chr16-2076074-T-G. GRCh37 (hg19) VCF-style: chr16-2126075-T-G.
Other names: c.2046T>G, p.Asn682Lys (NM_001318831.2); c.2679T>G, p.Asn893Lys (NM_001318832.2); c.2646T>G, p.Asn882Lys (NM_001363528.2, NM_001370404.1, NM_001370405.1 and 3 more transcripts); c.2535T>G, p.Asn845Lys (NM_001318827.2); c.2499T>G, p.Asn833Lys (NM_001318829.2); short protein forms N893K, N682K, N845K, N833K, N882K.
Identifiers: ClinVar variation 1488823 (VCV001488823.8), dbSNP rs2151386177, ClinGen allele CA394279172.

ClinVar aggregate classification (germline): Uncertain significance (1 of 4 stars; one submission).

Conditions:
Tuberous sclerosis 2 (TSC2). Identifiers: Orphanet 805, MedGen C1860707, MONDO:0013199, OMIM 613254.

Submission:

Labcorp Genetics (formerly Invitae), Labcorp
Classification: Uncertain significance for Tuberous sclerosis 2. Last evaluated: 2022-05-29. Review status: criteria provided, single submitter. Criteria: Invitae Variant Classification Sherloc (09022015). Collection method: clinical testing. Allele origin: germline.
Comment: ClinVar contains an entry for this variant (Variation ID: 1488823). In summary, the available evidence is currently insufficient to determine the role of this variant in disease. Therefore, it has been classified as a Variant of Uncertain Significance. Advanced modeling of protein sequence and biophysical properties (such as structural, functional, and spatial information, amino acid conservation, physicochemical variation, residue mobility, and thermodynamic stability) performed at Invitae indicates that this missense variant is not expected to disrupt TSC2 protein function. This variant has not been reported in the literature in individuals affected with TSC2-related conditions. This variant is not present in population databases (gnomAD no frequency). This sequence change replaces asparagine, which is neutral and polar, with lysine, which is basic and polar, at codon 882 of the TSC2 protein (p.Asn882Lys).